The following is an entry in ClinVar:

NM_198253.3(TERT):c.698C>A (p.Pro233Gln)

Gene: TERT (telomerase reverse transcriptase; minus strand). Cytogenetic location: 5p15.33.
Variant type: single nucleotide variant.
Coding change: c.698C>A on transcript NM_198253.3 (MANE Select); coding-DNA position 698, C replaced by A.
Protein change: p.Pro233Gln; replaces proline 233 with glutamine.
Molecular consequence: missense variant. On other transcripts: non-coding transcript variant (2).
Genome position (GRCh38, 1-based): chr5:1,294,188, G>T on the plus strand (C>A on the coding strand, the complement: TERT is on the minus strand). VCF-style: chr5-1294188-G-T. GRCh37 (hg19) VCF-style: chr5-1294303-G-T.
Other names: c.698C>A, p.Pro233Gln (NM_001193376.3, NM_003219.1); short protein forms P233Q.
Identifiers: ClinVar variation 2496727 (VCV002496727.2), dbSNP rs1378504685, ClinGen allele CA359057004.
Genomic context (GRCh38, chr5:1,294,188, plus strand): 5'-TGCCCAACGGGCGTCCGCTCCGGCTCAGGGGCAGCGCCACGCCTGGGCCTCTTGGGCAAC[G>T]GCAGACTTCGGCTGGCACTGCCCCCGCGCCTCCTCGCACCCGGGGCTGGCAGGCCCAGGG-3'
Protein context (NP_937983.2, residues 223-243): RRGGSASRSL[Pro233Gln]LPKRPRRGAA

ClinVar aggregate classification (germline): Uncertain significance (1 of 4 stars; one submission).

Conditions:
Dyskeratosis congenita. Identifiers: Orphanet 1775, MedGen C0265965, MONDO:0015780.

Submission:

Ambry Genetics
Classification: Uncertain significance for Dyskeratosis congenita. Last evaluated: 2023-01-12. Review status: criteria provided, single submitter. Criteria: Ambry Variant Classification Scheme 2023. Collection method: clinical testing. Allele origin: germline.
Comment: The p.P233Q variant (also known as c.698C>A), located in coding exon 2 of the TERT gene, results from a C to A substitution at nucleotide position 698. The proline at codon 233 is replaced by glutamine, an amino acid with similar properties. This amino acid position is highly conserved in available vertebrate species. In addition, the in silico prediction for this alteration is inconclusive. Since supporting evidence is limited at this time, the clinical significance of this alteration remains unclear.